The following is an entry in ClinVar:

NM_015559.3(SETBP1):c.2666G>A (p.Arg889Gln)

Gene: SETBP1 (SET binding protein 1; plus strand). Cytogenetic location: 18q12.3.
Variant type: single nucleotide variant.
Coding change: c.2666G>A on transcript NM_015559.3 (MANE Select); coding-DNA position 2666, G replaced by A.
Protein change: p.Arg889Gln; replaces arginine 889 with glutamine.
Molecular consequence: missense variant.
Genome position (GRCh38, 1-based): chr18:44,952,006, G>A. VCF-style: chr18-44952006-G-A. GRCh37 (hg19) VCF-style: chr18-42531971-G-A.
Other names: c.2666G>A, p.Arg889Gln (NM_001379141.1, NM_001379142.1); c.2666G>A (NM_015559.2); short protein forms R889Q.
Identifiers: ClinVar variation 1372331 (VCV001372331.8), dbSNP rs778467154, ClinGen allele CA8945772.

ClinVar aggregate classification (germline): Conflicting classifications of pathogenicity. Review status: criteria provided, conflicting classifications (1 of 4 stars). 3 submissions from 3 submitters: Uncertain significance (1); Benign (1); Likely benign (1). Last evaluated 2026-02-01.

Conditions:
Inborn genetic diseases. Identifiers: MedGen C0950123, MeSH D030342.

Allele frequency attached by ClinVar (database versions not stated): ExAC 0.00001; gnomAD exomes 0.00001.
gnomAD v4.1: 10 of 1,613,964 alleles (0.00062%); highest among the groups gnomAD compares: Admixed American, 0.005%; no homozygotes.

Submissions (3):

Labcorp Genetics (formerly Invitae), Labcorp
Classification: Benign. Last evaluated: 2026-02-01. Review status: criteria provided, single submitter. Criteria: Invitae Variant Classification Sherloc (09022015). Collection method: clinical testing. Allele origin: germline.

Women's Health and Genetics/Laboratory Corporation of America, LabCorp
Classification: Likely benign. Last evaluated: 2026-01-29. Review status: criteria provided, single submitter. Criteria: LabCorp Variant Classification Summary - May 2015. Collection method: clinical testing. Allele origin: germline.
Comment: Variant summary: SETBP1 c.2666G>A (p.Arg889Gln) results in a conservative amino acid change in the encoded protein sequence. Algorithms developed to predict the effect of missense changes on protein structure and function are either unavailable or do not agree on the potential impact of this missense change. The variant allele was found at a frequency of 1.2e-05 in 250618 control chromosomes. The available data on variant occurrences in the general population are insufficient to allow any conclusion about variant significance. To our knowledge, no occurrence of c.2666G>A in individuals affected with SETBP1-related conditions and no experimental evidence demonstrating its impact on protein function have been reported. ClinVar contains an entry for this variant (Variation ID: 1372331). Based on the evidence outlined above, the variant was classified as likely benign.

Ambry Genetics
Classification: Uncertain significance for Inborn genetic diseases. Last evaluated: 2023-12-22. Review status: criteria provided, single submitter. Criteria: Ambry Variant Classification Scheme 2023. Collection method: clinical testing. Allele origin: germline.